The following is an entry in ClinVar:

ClinVar aggregate classification (germline): Conflicting classifications of pathogenicity. Review status: criteria provided, conflicting classifications (1 of 4 stars). 6 submissions from 6 submitters: Uncertain significance (5); Likely benign (1). Last evaluated 2026-02-01.

Conditions:
Inborn genetic diseases. Identifiers: MedGen C0950123, MeSH D030342.
Occipital pachygyria and polymicrogyria. Identifiers: Orphanet 280640, MedGen C3279875, MONDO:0013583, OMIM 614115.

Allele frequency attached by ClinVar (database versions not stated): gnomAD exomes 0.00008; ExAC 0.00010; ESP Exome Variant Server 0.00015; gnomAD 0.00015 and 0.00016; TOPMed 0.00016; 1000 Genomes Project 0.00040; 1000 Genomes Project 30x 0.00047.
gnomAD v4.1: 149 of 1,614,120 alleles (0.0092%); highest among the groups gnomAD compares: African/African-American, 0.025%; 2 homozygotes.

Submissions (6):

CeGaT Center for Human Genetics Tuebingen
Classification: Likely benign. Last evaluated: 2026-02-01. Review status: criteria provided, single submitter. Criteria: CeGaT Center For Human Genetics Tuebingen Variant Classification Criteria Version 2. Collection method: clinical testing. Allele origin: germline. Affected: yes. Observed: 1 variant allele.
Comment: LAMC3: BP4

Ambry Genetics
Classification: Uncertain significance for Inborn genetic diseases. Last evaluated: 2025-04-01. Review status: criteria provided, single submitter. Criteria: Ambry Variant Classification Scheme 2023. Collection method: clinical testing. Allele origin: germline.

Labcorp Genetics (formerly Invitae), Labcorp
Classification: Uncertain significance. Last evaluated: 2025-01-27. Review status: criteria provided, single submitter. Criteria: Invitae Variant Classification Sherloc (09022015). Collection method: clinical testing. Allele origin: germline.
Comment: This sequence change replaces arginine, which is basic and polar, with cysteine, which is neutral and slightly polar, at codon 444 of the LAMC3 protein (p.Arg444Cys). This variant is present in population databases (rs140066207, gnomAD 0.05%), including at least one homozygous and/or hemizygous individual. This variant has not been reported in the literature in individuals affected with LAMC3-related conditions. ClinVar contains an entry for this variant (Variation ID: 129450). An algorithm developed to predict the effect of missense changes on protein structure and function (PolyPhen-2) suggests that this variant is likely to be disruptive. In summary, the available evidence is currently insufficient to determine the role of this variant in disease. Therefore, it has been classified as a Variant of Uncertain Significance.

GeneDx
Classification: Uncertain significance. Last evaluated: 2024-03-13. Review status: criteria provided, single submitter. Criteria: GeneDx Variant Classification Process June 2021. Collection method: clinical testing. Allele origin: germline. Affected: yes.
Comment: In silico analysis supports that this missense variant has a deleterious effect on protein structure/function; This variant is associated with the following publications: (PMID: 38467605, Dilao2022[Virtual presentation])

Revvity Omics, Revvity
Classification: Uncertain significance for Occipital pachygyria and polymicrogyria. Last evaluated: 2022-03-16. Review status: criteria provided, single submitter. Criteria: ACMG Guidelines, 2015. Collection method: clinical testing. Allele origin: germline.

Genetic Services Laboratory, University of Chicago
Classification: Uncertain significance. Last evaluated: 2014-02-19. Review status: criteria provided, single submitter. Criteria: ACMG Guidelines, 2007. Collection method: clinical testing. Allele origin: germline. Inheritance: X-linked inheritance.

NM_006059.4(LAMC3):c.1330C>T (p.Arg444Cys)

Gene: LAMC3 (laminin subunit gamma 3; plus strand). Cytogenetic location: 9q34.12.
Variant type: single nucleotide variant.
Coding change: c.1330C>T on transcript NM_006059.4 (MANE Select); coding-DNA position 1330, C replaced by T.
Protein change: p.Arg444Cys; replaces arginine 444 with cysteine.
Molecular consequence: missense variant.
Genome position (GRCh38, 1-based): chr9:131,041,683, C>T. VCF-style: chr9-131041683-C-T. GRCh37 (hg19) VCF-style: chr9-133917070-C-T.
Other names: short protein forms R444C.
Identifiers: ClinVar variation 129450 (VCV000129450.22), dbSNP rs140066207, ClinGen allele CA231229.